The following is an entry in ClinVar:

ClinVar aggregate classification (germline): Likely benign. Review status: reviewed by expert panel (3 of 4 stars). 5 submissions from 5 submitters: Likely benign (1). 4 of the submissions do not count toward it. Last evaluated 2017-06-29.

Conditions:
Hereditary cancer-predisposing syndrome. Also called: Hereditary Cancer Syndrome; Neoplastic Syndromes, Hereditary; Tumor predisposition; Hereditary neoplastic syndrome. Identifiers: Orphanet 140162, MedGen C0027672, MeSH D009386, MONDO:0015356.
Breast-ovarian cancer, familial, susceptibility to, 2 (BROVCA2). Also called: BRCA2 Hereditary Breast and Ovarian Cancer. Identifiers: Orphanet 145, MedGen C2675520, MONDO:0012933, OMIM 612555. Disease mechanism: loss of function.
Hereditary breast ovarian cancer syndrome. Also called: Hereditary breast and/or ovarian cancer syndrome; BRCA1- and BRCA2-Associated Hereditary Breast and Ovarian Cancer; Hereditary breast and ovarian cancer syndrome (HBOC); Hereditary breast and ovarian cancer; Hereditary breast and ovarian cancer syndrome; Breast and ovarian cancer. Identifiers: Orphanet 145, MedGen C0677776, MeSH D061325, MONDO:0003582. Disease mechanism: loss of function.

Submissions (5):

Evidence-based Network for the Interpretation of Germline Mutant Alleles (ENIGMA)
Classification: Likely benign for Breast-ovarian cancer, familial, susceptibility to, 2. Last evaluated: 2017-06-29. Review status: reviewed by expert panel. Criteria: ENIGMA BRCA1/2 Classification Criteria (2017-06-29). Collection method: curation. Allele origin: germline.
Comment: Synonymous substitution variant, with low bioinformatic likelihood to result in a splicing aberration (Splicing prior probability 0.02).

Labcorp Genetics (formerly Invitae), Labcorp
Classification: Likely benign for Hereditary breast ovarian cancer syndrome. Last evaluated: 2025-05-19. Review status: criteria provided, single submitter. Criteria: Invitae Variant Classification Sherloc (09022015). Collection method: clinical testing. Allele origin: germline. Not counted in ClinVar's aggregate classification.

Sema4
Classification: Likely benign for Hereditary cancer-predisposing syndrome. Last evaluated: 2021-10-31. Review status: criteria provided, single submitter. Criteria: Sema4 Curation Guidelines. Collection method: curation. Allele origin: germline. Not counted in ClinVar's aggregate classification.

Ambry Genetics
Classification: Likely benign for Hereditary cancer-predisposing syndrome. Last evaluated: 2015-01-26. Review status: criteria provided, single submitter. Criteria: Ambry Variant Classification Scheme 2023. Collection method: clinical testing. Allele origin: germline. Not counted in ClinVar's aggregate classification.

Department of Pathology and Laboratory Medicine, Sinai Health System
Classification: Likely benign. Review status: no assertion criteria provided. Collection method: clinical testing. Allele origin: unknown. Affected: yes. Study: The Canadian Open Genetics Repository (COGR). Not counted in ClinVar's aggregate classification.
Comment: The p.Glu3111Glu has not been previously identified in the literature nor by our laboratory. This variant is not expected to have clinical significance because it does not alter an amino acid residue, and is not located near a splice junction. However, this variant has not been observed in over 1000 proband chromosomes tested by our laboratory for the BRCA2 gene, increasing the likelihood that this is a rare variant that could have clinical significance. But, we cannot rule out that the full spectrum of benign variation has not yet been defined for this gene and that this may be a benign variant. In summary, the clinical significance of this variant cannot be determined with certainty at this time, although we would lean towards a more benign role for this variant. This variant is classified as Predicted Benign.

NM_000059.4(BRCA2):c.9333G>A (p.Glu3111=)

Gene: BRCA2 (BRCA2 DNA repair associated; plus strand). Cytogenetic location: 13q13.1.
Variant type: single nucleotide variant.
Coding change: c.9333G>A on transcript NM_000059.4 (MANE Select); coding-DNA position 9333, G replaced by A.
Protein change: p.Glu3111=; no amino-acid change (glutamic acid 3111 retained).
Molecular consequence: synonymous variant.
Genome position (GRCh38, 1-based): chr13:32,394,765, G>A. VCF-style: chr13-32394765-G-A. GRCh37 (hg19) VCF-style: chr13-32968902-G-A.
Identifiers: ClinVar variation 230258 (VCV000230258.18), dbSNP rs876658469, ClinGen allele CA10579826.